The following is an entry in ClinVar:

NM_001134407.3(GRIN2A):c.3250G>C (p.Asp1084His)

Gene: GRIN2A (glutamate ionotropic receptor NMDA type subunit 2A; minus strand). Cytogenetic location: 16p13.2.
Variant type: single nucleotide variant.
Coding change: c.3250G>C on transcript NM_001134407.3 (MANE Select); coding-DNA position 3250, G replaced by C.
Protein change: p.Asp1084His; replaces aspartic acid 1084 with histidine.
Molecular consequence: missense variant.
Genome position (GRCh38, 1-based): chr16:9,764,294, C>G on the plus strand (G>C on the coding strand, the complement: GRIN2A is on the minus strand). VCF-style: chr16-9764294-C-G. GRCh37 (hg19) VCF-style: chr16-9858151-C-G.
Other names: c.3250G>C, p.Asp1084His (NM_000833.5, NM_001134408.2); short protein forms D1084H.
Identifiers: ClinVar variation 2415048 (VCV002415048.10), dbSNP rs761296880, ClinGen allele CA394708281.

ClinVar aggregate classification (germline): Conflicting classifications of pathogenicity. Review status: criteria provided, conflicting classifications (1 of 4 stars). 2 submissions from 2 submitters: Uncertain significance (1); Likely benign (1). Last evaluated 2024-09-20.

Conditions:
Landau-Kleffner syndrome (FESD). Also called: EPILEPSY, FOCAL, WITH SPEECH DISORDER AND WITH OR WITHOUT MENTAL RETARDATION; APHASIA, ACQUIRED, WITH EPILEPSY. Identifiers: Orphanet 1945, Orphanet 725, Orphanet 98818, MedGen C0282512, MONDO:0009509, OMIM 245570.

Submissions (2):

3billion
Classification: Likely benign for Landau-Kleffner syndrome. Last evaluated: 2024-09-20. Review status: criteria provided, single submitter. Criteria: ACMG Guidelines, 2015. Collection method: clinical testing. Allele origin: germline. Affected: no.
Comment: The variant was identified in at least one patient who was diagnosed with a different variant in another gene and showed no symptoms related to the gene containing the variant in question.

Labcorp Genetics (formerly Invitae), Labcorp
Classification: Uncertain significance for Landau-Kleffner syndrome. Last evaluated: 2022-05-25. Review status: criteria provided, single submitter. Criteria: Invitae Variant Classification Sherloc (09022015). Collection method: clinical testing. Allele origin: germline.
Comment: In summary, the available evidence is currently insufficient to determine the role of this variant in disease. Therefore, it has been classified as a Variant of Uncertain Significance. Advanced modeling of protein sequence and biophysical properties (such as structural, functional, and spatial information, amino acid conservation, physicochemical variation, residue mobility, and thermodynamic stability) performed at Invitae indicates that this missense variant is not expected to disrupt GRIN2A protein function. This variant has not been reported in the literature in individuals affected with GRIN2A-related conditions. This variant is not present in population databases (gnomAD no frequency). This sequence change replaces aspartic acid, which is acidic and polar, with histidine, which is basic and polar, at codon 1084 of the GRIN2A protein (p.Asp1084His).